The following is an entry in ClinVar:

NM_000384.3(APOB):c.2446G>A (p.Val816Ile)

Gene: APOB (apolipoprotein B; minus strand). Cytogenetic location: 2p24.1.
Variant type: single nucleotide variant.
Coding change: c.2446G>A on transcript NM_000384.3 (MANE Select); coding-DNA position 2446, G replaced by A.
Protein change: p.Val816Ile; replaces valine 816 with isoleucine.
Molecular consequence: missense variant.
Genome position (GRCh38, 1-based): chr2:21,023,683, C>T on the plus strand (G>A on the coding strand, the complement: APOB is on the minus strand). VCF-style: chr2-21023683-C-T. GRCh37 (hg19) VCF-style: chr2-21246555-C-T.
Other names: short protein forms V816I.
Identifiers: ClinVar variation 1791398 (VCV001791398.2), dbSNP rs1477183918, ClinGen allele CA346011267.

ClinVar aggregate classification (germline): Uncertain significance (1 of 4 stars; one submission).

Conditions:
Cardiovascular phenotype. Identifiers: MedGen CN230736.

Allele frequency attached by ClinVar (database versions not stated): gnomAD exomes below 0.00001; gnomAD 0.00001; TOPMed 0.00002.
gnomAD v4.1: 4 of 1,609,794 alleles (0.00025%); highest among the groups gnomAD compares: Admixed American, 0.0017%; no homozygotes.

Submission:

Ambry Genetics
Classification: Uncertain significance for Cardiovascular phenotype. Last evaluated: 2022-04-03. Review status: criteria provided, single submitter. Criteria: Ambry Variant Classification Scheme 2023. Collection method: clinical testing. Allele origin: germline.
Comment: The p.V816I variant (also known as c.2446G>A), located in coding exon 17 of the APOB gene, results from a G to A substitution at nucleotide position 2446. The valine at codon 816 is replaced by isoleucine, an amino acid with highly similar properties. This amino acid position is conserved. In addition, this alteration is predicted to be tolerated by in silico analysis. Since supporting evidence is limited at this time, the clinical significance of this alteration remains unclear.